The following is an entry in ClinVar:

NM_024334.3(TMEM43):c.1052T>C (p.Phe351Ser)

Gene: TMEM43 (transmembrane protein 43; plus strand). Cytogenetic location: 3p25.1.
Variant type: single nucleotide variant.
Coding change: c.1052T>C on transcript NM_024334.3 (MANE Select); coding-DNA position 1052, T replaced by C.
Protein change: p.Phe351Ser; replaces phenylalanine 351 with serine.
Molecular consequence: missense variant.
Genome position (GRCh38, 1-based): chr3:14,141,644, T>C. VCF-style: chr3-14141644-T-C. GRCh37 (hg19) VCF-style: chr3-14183144-T-C.
Other names: c.1055T>C, p.Phe352Ser (NM_001407274.1); c.1049T>C, p.Phe350Ser (NM_001407275.1, NM_001407276.1); c.1046T>C, p.Phe349Ser (NM_001407277.1); c.1037T>C, p.Phe346Ser (NM_001407278.1); c.977T>C, p.Phe326Ser (NM_001407279.1); c.902T>C, p.Phe301Ser (NM_001407280.1); short protein forms F301S, F326S, F346S, F349S, F350S, F351S, F352S.
Identifiers: ClinVar variation 3071290 (VCV003071290.3), dbSNP rs1377117160, ClinGen allele CA351536447.

ClinVar aggregate classification (germline): Uncertain significance. Review status: criteria provided, multiple submitters, no conflicts (2 of 4 stars). 3 submissions from 3 submitters: Uncertain significance (3). Last evaluated 2026-02-26.

Conditions:
Cardiovascular phenotype. Identifiers: MedGen CN230736.
Cardiomyopathy (CMYO). Also called: Cardiomyopathies. Identifiers: Orphanet 167848, MedGen C0878544, MONDO:0004994, HP:0001638. Inheritance: Various modes of inheritance.
Arrhythmogenic right ventricular dysplasia 5. Also called: Arrhythmogenic Right Ventricular Dysplasia/Cardiomyopathy 5; ARRHYTHMOGENIC RIGHT VENTRICULAR DYSPLASIA, FAMILIAL, 5. Identifiers: MedGen C1858379, MONDO:0011459, OMIM 604400.

Allele frequency attached by ClinVar (database versions not stated): TOPMed 0.00001.

Submissions (3):

Ambry Genetics
Classification: Uncertain significance for Cardiovascular phenotype. Last evaluated: 2026-02-26. Review status: criteria provided, single submitter. Criteria: Ambry Variant Classification Scheme 2023. Collection method: clinical testing. Allele origin: germline.
Comment: The p.F351S variant (also known as c.1052T>C), located in coding exon 12 of the TMEM43 gene, results from a T to C substitution at nucleotide position 1052. The phenylalanine at codon 351 is replaced by serine, an amino acid with highly dissimilar properties. This variant was reported in individual(s) with features consistent with arrhythmogenic right ventricular cardiomyopathy (Lippi M et al. Biomolecules, 2022 Jul;12). This amino acid position is highly conserved in available vertebrate species. In addition, the in silico prediction for this alteration is inconclusive. Based on the available evidence, the clinical significance of this variant remains unclear.

Color Diagnostics, LLC DBA Color Health
Classification: Uncertain significance for Cardiomyopathy. Last evaluated: 2025-09-09. Review status: criteria provided, single submitter. Criteria: ACMG Guidelines, 2015. Collection method: clinical testing. Allele origin: germline.
Comment: This missense variant replaces phenylalanine with serine at codon 351 of the TMEM43 protein. Computational prediction suggests that this variant may not impact protein structure and function. To our knowledge, functional studies have not been reported for this variant. This variant has not been reported in individuals affected with TMEM43-related disorders in the literature. This variant has not been identified in the general population by the Genome Aggregation Database (gnomAD). The available evidence is insufficient to determine the role of this variant in disease conclusively. Therefore, this variant is classified as a Variant of Uncertain Significance.

All of Us Research Program, National Institutes of Health
Classification: Uncertain significance for Arrhythmogenic right ventricular dysplasia 5. Last evaluated: 2023-05-31. Review status: criteria provided, single submitter. Criteria: ACMG Guidelines, 2015. Collection method: clinical testing. Allele origin: germline. Inheritance: Autosomal dominant inheritance. Observed: 1 variant allele, 1 heterozygote.
Comment: This study involves interpretation of variants in research participants for the purpose of population health screening. Participant phenotype was not available at the time of variant classification. Additional details can be found in publication PMID: 35346344, PMCID: PMC8962531

Literature cited by the submitters: PubMed 36008935 (cited by Ambry Genetics).